The following is an entry in ClinVar:

ClinVar aggregate classification (germline): Uncertain significance (1 of 4 stars; one submission).

Conditions:
Alstrom syndrome (ALMS). Identifiers: Orphanet 64, MedGen C0268425, MONDO:0008763, OMIM 203800.

Submission:

Labcorp Genetics (formerly Invitae), Labcorp
Classification: Uncertain significance for Alstrom syndrome. Last evaluated: 2021-02-25. Review status: criteria provided, single submitter. Criteria: Invitae Variant Classification Sherloc (09022015). Collection method: clinical testing. Allele origin: germline.
Comment: Experimental studies and prediction algorithms are not available or were not evaluated, and the functional significance of this variant is currently unknown. This sequence change replaces leucine with phenylalanine at codon 2765 of the ALMS1 protein (p.Leu2765Phe). The leucine residue is moderately conserved and there is a small physicochemical difference between leucine and phenylalanine. This variant is not present in population databases (ExAC no frequency). This variant has not been reported in the literature in individuals with ALMS1-related conditions. In summary, the available evidence is currently insufficient to determine the role of this variant in disease. Therefore, it has been classified as a Variant of Uncertain Significance.

NM_001378454.1(ALMS1):c.8290C>T (p.Leu2764Phe)

Gene: ALMS1 (ALMS1 centrosome and basal body associated protein; plus strand). Cytogenetic location: 2p13.1.
Variant type: single nucleotide variant.
Coding change: c.8290C>T on transcript NM_001378454.1 (MANE Select); coding-DNA position 8290, C replaced by T.
Protein change: p.Leu2764Phe; replaces leucine 2764 with phenylalanine.
Molecular consequence: missense variant.
Genome position (GRCh38, 1-based): chr2:73,490,249, C>T. VCF-style: chr2-73490249-C-T. GRCh37 (hg19) VCF-style: chr2-73717376-C-T.
Other names: c.8293C>T, p.Leu2765Phe (NM_015120.4); short protein forms L2765F, L2764F.
Identifiers: ClinVar variation 1450941 (VCV001450941.6), dbSNP rs2103891331, ClinGen allele CA347268138.